The following is an entry in ClinVar:

NM_004606.5(TAF1):c.1172A>G (p.Glu391Gly)

Gene: TAF1 (TATA-box binding protein associated factor 1; plus strand). Cytogenetic location: Xq13.1.
Variant type: single nucleotide variant.
Coding change: c.1172A>G on transcript NM_004606.5 (MANE Select); coding-DNA position 1172, A replaced by G.
Protein change: p.Glu391Gly; replaces glutamic acid 391 with glycine.
Molecular consequence: missense variant. On other transcripts: non-coding transcript variant (9).
Genome position (GRCh38, 1-based): chrX:71,378,843, A>G. VCF-style: chrX-71378843-A-G. GRCh37 (hg19) VCF-style: chrX-70598693-A-G.
Other names: c.1172A>G, p.Glu391Gly (NM_001286074.2); c.1109A>G, p.Glu370Gly (NM_138923.4); c.1232A>G (NM_001286074.1); short protein forms E370G, E391G.
Identifiers: ClinVar variation 1684130 (VCV001684130.3), dbSNP rs1006497247, ClinGen allele CA331008389.

ClinVar aggregate classification (germline): Uncertain significance. Review status: criteria provided, single submitter (1 of 4 stars). 2 submissions from 2 submitters: Uncertain significance (1). 1 of the submissions does not count toward it. Last evaluated 2022-05-12.

Conditions:
TAF1-related disorder. Also called: TAF1-related condition.

Allele frequency attached by ClinVar (database versions not stated): gnomAD exomes below 0.00001.
gnomAD v4.1: 1 of 1,211,600 alleles (0.000083%); highest among the groups gnomAD compares: Non-Finnish European, 0.00011%; no homozygotes.

Submissions (2):

GeneDx
Classification: Uncertain significance. Last evaluated: 2022-05-12. Review status: criteria provided, single submitter. Criteria: GeneDx Variant Classification Process June 2021. Collection method: clinical testing. Allele origin: germline. Affected: yes.
Comment: Not observed at significant frequency in large population cohorts (gnomAD); In silico analysis supports that this missense variant does not alter protein structure/function; Has not been previously published as pathogenic or benign to our knowledge

PreventionGenetics, part of Exact Sciences
Classification: Uncertain significance for TAF1-related condition. Last evaluated: 2024-06-27. Review status: no assertion criteria provided. Collection method: clinical testing. Allele origin: germline. Not counted in ClinVar's aggregate classification.
Comment: The TAF1 c.1232A>G variant is predicted to result in the amino acid substitution p.Glu411Gly. To our knowledge, this variant has not been reported in the literature or in a large population database, indicating this variant is rare. At this time, the clinical significance of this variant is uncertain due to the absence of conclusive functional and genetic evidence.